The following is an entry in ClinVar:

NC_000008.11:g.(?_89978210)_(89984571_?)del

Gene: NBN (nibrin; minus strand). Cytogenetic location: 8q21.3.
Variant type: Deletion.
Identifiers: ClinVar variation 832956 (VCV000832956.4).

ClinVar aggregate classification (germline): Pathogenic (1 of 4 stars; one submission).

Conditions:
Microcephaly, normal intelligence and immunodeficiency (NBS). Also called: Ataxia telangiectasia variant V1; Nijmegen breakage syndrome; Immunodeficiency, microcephaly with normal intelligence; IMMUNODEFICIENCY, MICROCEPHALY, AND CHROMOSOMAL INSTABILITY; SEEMANOVA SYNDROME II; BERLIN BREAKAGE SYNDROME. Identifiers: Orphanet 647, MedGen C0398791, MONDO:0009623, OMIM 251260.

Submission:

Labcorp Genetics (formerly Invitae), Labcorp
Classification: Pathogenic for Microcephaly, normal intelligence and immunodeficiency. Last evaluated: 2021-09-29. Review status: criteria provided, single submitter. Criteria: Invitae Variant Classification Sherloc (09022015). Collection method: clinical testing. Allele origin: germline.
Comment: This variant is a gross deletion of the genomic region encompassing exons 1-5 of the NBN gene, which includes the initiator codon. The 5' end of this event is unknown as it extends beyond the assayed region for this gene and therefore may encompass additional genes. The 3' boundary is likely confined to intron 5 of the NBN gene. This is expected to result in an absent or disrupted protein product. This variant has not been reported in the literature in individuals with NBN-related conditions. Loss-of-function variants in NBN are known to be pathogenic (PMID: 9590180, 16415040). For these reasons, this variant has been classified as Pathogenic.

Literature cited by the submitters: PubMed 9590180; PubMed 16415040.